The following is an entry in ClinVar:

NM_006736.6(DNAJB2):c.754G>C (p.Asp252His)

Gene: DNAJB2 (DnaJ heat shock protein family (Hsp40) member B2; plus strand). Cytogenetic location: 2q35.
Variant type: single nucleotide variant.
Coding change: c.754G>C on transcript NM_006736.6 (MANE Select); coding-DNA position 754, G replaced by C.
Protein change: p.Asp252His; replaces aspartic acid 252 with histidine.
Molecular consequence: missense variant.
Genome position (GRCh38, 1-based): chr2:219,284,766, G>C. VCF-style: chr2-219284766-G-C. GRCh37 (hg19) VCF-style: chr2-220149488-G-C.
Other names: c.754G>C, p.Asp252His (NM_001039550.2); short protein forms D252H.
Identifiers: ClinVar variation 645330 (VCV000645330.11), dbSNP rs375536235, ClinGen allele CA2123096.

ClinVar aggregate classification (germline): Uncertain significance. Review status: criteria provided, multiple submitters, no conflicts (2 of 4 stars). 2 submissions from 2 submitters: Uncertain significance (2). Last evaluated 2024-12-25.

Conditions:
Neuronopathy, distal hereditary motor, autosomal recessive 5. Also called: Spinal muscular atrophy, distal, autosomal recessive, 5; Young adult-onset distal hereditary motor neuropathy; NEUROPATHY, DISTAL HEREDITARY MOTOR, AUTOSOMAL RECESSIVE 5. Identifiers: Orphanet 314485, Orphanet 443950, MedGen C4749918, MONDO:0013947, OMIM 614881.
Inborn genetic diseases. Identifiers: MedGen C0950123, MeSH D030342.

Allele frequency attached by ClinVar (database versions not stated): ESP Exome Variant Server 0.00008; ExAC 0.00001; gnomAD exomes 0.00002 and 0.00003; TOPMed 0.00002; gnomAD 0.00003 and 0.00004.
gnomAD v4.1: 46 of 1,613,394 alleles (0.0029%); highest among the groups gnomAD compares: Non-Finnish European, 0.0036%; no homozygotes.

Submissions (2):

Ambry Genetics
Classification: Uncertain significance for Inborn genetic diseases. Last evaluated: 2024-12-25. Review status: criteria provided, single submitter. Criteria: Ambry Variant Classification Scheme 2023. Collection method: clinical testing. Allele origin: germline.

Labcorp Genetics (formerly Invitae), Labcorp
Classification: Uncertain significance for Neuronopathy, distal hereditary motor, autosomal recessive 5. Last evaluated: 2022-03-08. Review status: criteria provided, single submitter. Criteria: Invitae Variant Classification Sherloc (09022015). Collection method: clinical testing. Allele origin: germline.
Comment: This sequence change replaces aspartic acid, which is acidic and polar, with histidine, which is basic and polar, at codon 252 of the DNAJB2 protein (p.Asp252His). This variant is present in population databases (rs375536235, gnomAD 0.004%). This variant has not been reported in the literature in individuals affected with DNAJB2-related conditions. ClinVar contains an entry for this variant (Variation ID: 645330). Algorithms developed to predict the effect of missense changes on protein structure and function are either unavailable or do not agree on the potential impact of this missense change (SIFT: "Tolerated"; PolyPhen-2: "Probably Damaging"; Align-GVGD: "Class C0"). In summary, the available evidence is currently insufficient to determine the role of this variant in disease. Therefore, it has been classified as a Variant of Uncertain Significance.